The following is an entry in ClinVar:

ClinVar aggregate classification (germline): Uncertain significance (1 of 4 stars; one submission).

Conditions:
Familial thoracic aortic aneurysm and aortic dissection (TAAD). Also called: Thoracic aortic aneurysms and dissections. Identifiers: Orphanet 91387, MedGen C4707243, MONDO:0019625.

Allele frequency attached by ClinVar (database versions not stated): TOPMed below 0.00001.

Submission:

Color Diagnostics, LLC DBA Color Health
Classification: Uncertain significance for Familial thoracic aortic aneurysm and aortic dissection. Last evaluated: 2025-05-26. Review status: criteria provided, single submitter. Criteria: ACMG Guidelines, 2015. Collection method: clinical testing. Allele origin: germline.
Comment: This missense variant replaces glycine with serine at codon 1358 of the FBN1 protein. Computational prediction suggests that this variant may have deleterious impact on protein structure and function. To our knowledge, functional studies have not been reported for this variant. This variant has not been reported in individuals affected with FBN1-related disorders in the literature. This variant has not been identified in the general population by the Genome Aggregation Database (gnomAD). The available evidence is insufficient to determine the role of this variant in disease conclusively. Therefore, this variant is classified as a Variant of Uncertain Significance.

NM_000138.5(FBN1):c.4072G>A (p.Gly1358Ser)

Gene: FBN1 (fibrillin 1; minus strand). Cytogenetic location: 15q21.1.
Variant type: single nucleotide variant.
Coding change: c.4072G>A on transcript NM_000138.5 (MANE Select); coding-DNA position 4072, G replaced by A.
Protein change: p.Gly1358Ser; replaces glycine 1358 with serine.
Molecular consequence: missense variant.
Genome position (GRCh38, 1-based): chr15:48,474,543, C>T on the plus strand (G>A on the coding strand, the complement: FBN1 is on the minus strand). VCF-style: chr15-48474543-C-T. GRCh37 (hg19) VCF-style: chr15-48766740-C-T.
Other names: c.4072G>A, p.Gly1358Ser (NM_001406716.1); short protein forms G1358S.
Identifiers: ClinVar variation 2773349 (VCV002773349.3), dbSNP rs2043404090, ClinGen allele CA392320429.
Genomic context (GRCh38, chr15:48,474,543, plus strand): 5'-TCTATGCAGTCCTTGATAAGCAACCTCTGTTACTTTCCTACTCACCAGTGCACTTAATGC[C>T]ATCTCCAATCCACCCGGGACTGCAGCTACATTTGAAGCTTCCTGCTGTATTGGTACATAC-3'
Protein context (NP_000129.3, residues 1348-1368): CSCSPGWIGD[Gly1358Ser]IKCTDLDECS